The following is an entry in ClinVar:

NM_001040108.2(MLH3):c.2218A>G (p.Ile740Val)

Gene: MLH3 (mutL homolog 3; minus strand). Cytogenetic location: 14q24.3.
Variant type: single nucleotide variant.
Coding change: c.2218A>G on transcript NM_001040108.2 (MANE Select); coding-DNA position 2218, A replaced by G.
Protein change: p.Ile740Val; replaces isoleucine 740 with valine.
Molecular consequence: missense variant.
Genome position (GRCh38, 1-based): chr14:75,047,438, T>C on the plus strand (A>G on the coding strand, the complement: MLH3 is on the minus strand). VCF-style: chr14-75047438-T-C. GRCh37 (hg19) VCF-style: chr14-75514141-T-C.
Other names: c.2218A>G, p.Ile740Val (NM_014381.3); short protein forms I740V.
Identifiers: ClinVar variation 1352479 (VCV001352479.13), dbSNP rs1892322400, ClinGen allele CA390441185.
Genomic context (GRCh38, chr14:75,047,438, plus strand): 5'-GCCTCTTAAACTTCTCTAAAGATCCTAGCTGTGAACTCAAGCTTAGCTTCTTACGGACGA[T>C]TGGTTTGGAGAAACCAATTAATTTATCTGTTTTCCTACTATCATTGGAAACGTGTCTATA-3'
Protein context (NP_001035197.1, residues 730-750): TDKLIGFSKP[Ile740Val]VRKKLSLSSQ

ClinVar aggregate classification (germline): Uncertain significance. Review status: criteria provided, multiple submitters, no conflicts (2 of 4 stars). 4 submissions from 4 submitters: Uncertain significance (4). Last evaluated 2025-12-13.

Conditions:
MLH3-related disorder. Also called: MLH3-related condition.
Colorectal cancer, hereditary nonpolyposis, type 7. Identifiers: Orphanet 144, MedGen C1858380, MONDO:0013725, OMIM 614385.

Allele frequency attached by ClinVar (database versions not stated): gnomAD 0.00001; gnomAD exomes 0.00001; TOPMed 0.00001.
gnomAD v4.1: 19 of 1,613,992 alleles (0.0012%); highest among the groups gnomAD compares: Admixed American, 0.0017%; no homozygotes.

Submissions (4):

Ambry Genetics
Classification: Uncertain significance. Last evaluated: 2025-12-13. Review status: criteria provided, single submitter. Criteria: Ambry Variant Classification Scheme 2023. Collection method: clinical testing. Allele origin: germline.
Comment: The p.I740V variant (also known as c.2218A>G), located in coding exon 1 of the MLH3 gene, results from an A to G substitution at nucleotide position 2218. The isoleucine at codon 740 is replaced by valine, an amino acid with highly similar properties. This amino acid position is conserved. In addition, this alteration is predicted to be tolerated by in silico analysis. Since supporting evidence is limited at this time, the clinical significance of this alteration remains unclear.

Center for Genomic Medicine, Rigshospitalet, Copenhagen University Hospital
Classification: Uncertain significance. Last evaluated: 2025-03-04. Review status: criteria provided, single submitter. Criteria: ACMG Guidelines, 2015. Collection method: clinical testing. Allele origin: germline.

Labcorp Genetics (formerly Invitae), Labcorp
Classification: Uncertain significance for Colorectal cancer, hereditary nonpolyposis, type 7. Last evaluated: 2024-02-16. Review status: criteria provided, single submitter. Criteria: Invitae Variant Classification Sherloc (09022015). Collection method: clinical testing. Allele origin: germline.
Comment: This sequence change replaces isoleucine, which is neutral and non-polar, with valine, which is neutral and non-polar, at codon 740 of the MLH3 protein (p.Ile740Val). This variant is not present in population databases (gnomAD no frequency). This variant has not been reported in the literature in individuals affected with MLH3-related conditions. ClinVar contains an entry for this variant (Variation ID: 1352479). Algorithms developed to predict the effect of missense changes on protein structure and function output the following: SIFT: "Not Available"; PolyPhen-2: "Benign"; Align-GVGD: "Not Available". The valine amino acid residue is found in multiple mammalian species, which suggests that this missense change does not adversely affect protein function. In summary, the available evidence is currently insufficient to determine the role of this variant in disease. Therefore, it has been classified as a Variant of Uncertain Significance.

PreventionGenetics, part of Exact Sciences
Classification: Uncertain significance for MLH3-related condition. Last evaluated: 2023-03-12. Review status: criteria provided, single submitter. Criteria: ACMG Guidelines, 2015. Collection method: clinical testing. Allele origin: germline.
Comment: The MLH3 c.2218A>G variant is predicted to result in the amino acid substitution p.Ile740Val. To our knowledge, this variant has not been reported in the literature or in a large population database, indicating this variant is rare. This variant is interpreted as a variant of uncertain significance in ClinVar. At this time, the clinical significance of this variant is uncertain due to the absence of conclusive functional and genetic evidence.